The following is an entry in ClinVar:

ClinVar aggregate classification (germline): Uncertain significance. Review status: criteria provided, multiple submitters, no conflicts (2 of 4 stars). 2 submissions from 2 submitters: Uncertain significance (2). Last evaluated 2025-12-11.

Conditions:
Inborn genetic diseases. Identifiers: MedGen C0950123, MeSH D030342.

gnomAD v4.1: 272 of 1,603,696 alleles (0.017%); highest among the groups gnomAD compares: Non-Finnish European, 0.023%; no homozygotes.

Submissions (2):

Labcorp Genetics (formerly Invitae), Labcorp
Classification: Uncertain significance. Last evaluated: 2025-12-11. Review status: criteria provided, single submitter. Criteria: Invitae Variant Classification Sherloc (09022015). Collection method: clinical testing. Allele origin: germline.
Comment: This sequence change replaces lysine, which is basic and polar, with glutamine, which is neutral and polar, at codon 238 of the EIF2AK2 protein (p.Lys238Gln). This variant is present in population databases (rs757232443, gnomAD 0.005%). This variant has not been reported in the literature in individuals affected with EIF2AK2-related conditions. ClinVar contains an entry for this variant (Variation ID: 3507486). An algorithm developed to predict the effect of missense changes on protein structure and function (PolyPhen-2) suggests that this variant is likely to be tolerated. In summary, the available evidence is currently insufficient to determine the role of this variant in disease. Therefore, it has been classified as a Variant of Uncertain Significance.

Ambry Genetics
Classification: Uncertain significance for Inborn genetic diseases. Last evaluated: 2024-06-28. Review status: criteria provided, single submitter. Criteria: Ambry Variant Classification Scheme 2023. Collection method: clinical testing. Allele origin: germline.

NM_001135651.3(EIF2AK2):c.712A>C (p.Lys238Gln)

Gene: EIF2AK2 (eukaryotic translation initiation factor 2 alpha kinase 2; minus strand). Cytogenetic location: 2p22.2.
Variant type: single nucleotide variant.
Coding change: c.712A>C on transcript NM_001135651.3 (MANE Select); coding-DNA position 712, A replaced by C.
Protein change: p.Lys238Gln; replaces lysine 238 with glutamine.
Molecular consequence: missense variant.
Genome position (GRCh38, 1-based): chr2:37,136,993, T>G on the plus strand (A>C on the coding strand, the complement: EIF2AK2 is on the minus strand). VCF-style: chr2-37136993-T-G. GRCh37 (hg19) VCF-style: chr2-37364136-T-G.
Other names: c.712A>C, p.Lys238Gln (NM_001135652.3, NM_002759.4); short protein forms K238Q.
Identifiers: ClinVar variation 3507486 (VCV003507486.2).
Genomic context (GRCh38, chr2:37,136,993, plus strand): 5'-CTGAAATAAAACTTCAGATCAAAATATGTTCAATGCATAATGATACTCACCTTTTTGCCT[T>G]CCTTTGATTATTTCTGAGACCATTCTATAACAAAAGAAAATGAGAAATAGTTTCAGATGA-3'
Protein context (NP_001129123.1, residues 228-248): LMNGLRNNQR[Lys238Gln]AKRSLAPRFD